The following is an entry in ClinVar:

NM_005027.4(PIK3R2):c.1938C>T (p.Ile646=)

Gene: PIK3R2 (phosphoinositide-3-kinase regulatory subunit 2; plus strand). Cytogenetic location: 19p13.11.
Variant type: single nucleotide variant.
Coding change: c.1938C>T on transcript NM_005027.4 (MANE Select); coding-DNA position 1938, C replaced by T.
Protein change: p.Ile646=; no amino-acid change (isoleucine 646 retained).
Molecular consequence: synonymous variant. On other transcripts: non-coding transcript variant (2).
Genome position (GRCh38, 1-based): chr19:18,168,855, C>T. VCF-style: chr19-18168855-C-T. GRCh37 (hg19) VCF-style: chr19-18279665-C-T.
Identifiers: ClinVar variation 707750 (VCV000707750.39), dbSNP rs146987351, ClinGen allele CA9307188.

ClinVar aggregate classification (germline): Benign/Likely benign. Review status: criteria provided, multiple submitters, no conflicts (2 of 4 stars). 6 submissions from 6 submitters: Benign (3); Likely benign (3). Last evaluated 2026-06-01.

Conditions:
Megalencephaly-polymicrogyria-postaxial polydactyly-hydrocephalus syndrome. Also called: MPPH Syndrome; MEG-PMG-MEGACC SYNDROME. Identifiers: Orphanet 83473, MedGen C1863924, MONDO:0019375.
PIK3R2-related disorder. Also called: PIK3R2-related condition.

Allele frequency attached by ClinVar (database versions not stated): 1000 Genomes Project 30x 0.00016; 1000 Genomes Project 0.00020; ExAC 0.00064; gnomAD exomes 0.00065 and 0.00144; TOPMed 0.00073; gnomAD 0.00075 and 0.00079; ESP Exome Variant Server 0.00100.

Submissions (6):

CeGaT Center for Human Genetics Tuebingen
Classification: Likely benign. Last evaluated: 2026-06-01. Review status: criteria provided, single submitter. Criteria: CeGaT Center For Human Genetics Tuebingen Variant Classification Criteria Version 2. Collection method: clinical testing. Allele origin: germline. Affected: yes. Observed: 9 variant alleles.
Comment: PIK3R2: BP4, BP7

Labcorp Genetics (formerly Invitae), Labcorp
Classification: Benign for Megalencephaly-polymicrogyria-postaxial polydactyly-hydrocephalus syndrome. Last evaluated: 2025-12-29. Review status: criteria provided, single submitter. Criteria: Invitae Variant Classification Sherloc (09022015). Collection method: clinical testing. Allele origin: germline.

PreventionGenetics, part of Exact Sciences
Classification: Likely benign for PIK3R2-related condition. Last evaluated: 2025-10-24. Review status: criteria provided, single submitter. Criteria: ACMG Guidelines, 2015. Collection method: clinical testing. Allele origin: germline.
Comment: This variant is classified as likely benign based on ACMG/AMP sequence variant interpretation guidelines (Richards et al. 2015 PMID: 25741868, with internal and published modifications).

Blueprint Genetics
Classification: Likely benign. Last evaluated: 2024-11-27. Review status: criteria provided, single submitter. Criteria: ACMG Guidelines, 2015. Collection method: clinical testing. Allele origin: germline.

GeneDx
Classification: Benign. Last evaluated: 2019-10-01. Review status: criteria provided, single submitter. Criteria: GeneDx Variant Classification Process June 2021. Collection method: clinical testing. Allele origin: germline. Affected: yes.

Breakthrough Genomics
Classification: Benign. Review status: criteria provided, single submitter. Criteria: ACMG Guidelines, 2015. Collection method: not provided. Allele origin: germline. Inheritance: Autosomal dominant inheritance. Affected: yes.